The following is an entry in ClinVar:

ClinVar aggregate classification (germline): Benign/Likely benign. Review status: criteria provided, multiple submitters, no conflicts (2 of 4 stars). 2 submissions from 2 submitters: Benign (1); Likely benign (1). Last evaluated 2026-02-01.

Allele frequency attached by ClinVar (database versions not stated): gnomAD exomes 0.00003; TOPMed 0.00003; ExAC 0.00004; gnomAD 0.00004.
gnomAD v4.1: 65 of 1,613,830 alleles (0.004%); highest among the groups gnomAD compares: Middle Eastern, 0.049%; 1 homozygote.

Submissions (2):

CeGaT Center for Human Genetics Tuebingen
Classification: Likely benign. Last evaluated: 2026-02-01. Review status: criteria provided, single submitter. Criteria: CeGaT Center For Human Genetics Tuebingen Variant Classification Criteria Version 2. Collection method: clinical testing. Allele origin: germline. Affected: yes. Observed: 2 variant alleles.
Comment: ASXL2: BP1, BP4, BS2

Labcorp Genetics (formerly Invitae), Labcorp
Classification: Benign. Last evaluated: 2024-10-24. Review status: criteria provided, single submitter. Criteria: Invitae Variant Classification Sherloc (09022015). Collection method: clinical testing. Allele origin: germline.

NM_018263.6(ASXL2):c.1582C>T (p.Pro528Ser)

Gene: ASXL2 (ASXL transcriptional regulator 2; minus strand). Cytogenetic location: 2p23.3.
Variant type: single nucleotide variant.
Coding change: c.1582C>T on transcript NM_018263.6 (MANE Select); coding-DNA position 1582, C replaced by T.
Protein change: p.Pro528Ser; replaces proline 528 with serine.
Molecular consequence: missense variant.
Genome position (GRCh38, 1-based): chr2:25,749,974, G>A on the plus strand (C>T on the coding strand, the complement: ASXL2 is on the minus strand). VCF-style: chr2-25749974-G-A. GRCh37 (hg19) VCF-style: chr2-25972843-G-A.
Other names: c.1408C>T, p.Pro470Ser (NM_001369346.1); c.802C>T, p.Pro268Ser (NM_001369347.1); short protein forms P470S, P268S, P528S.
Identifiers: ClinVar variation 2142531 (VCV002142531.18), dbSNP rs779349501, ClinGen allele CA1557796.
Genomic context (GRCh38, chr2:25,749,974, plus strand): 5'-CCTGTGGACCCGCTCCTGCTGTGGGCTTCACTATTGGTTTTTCAACCCCAGGACTCTTGG[G>A]TTTGCTTGGCGATGTAACTAAAGATTCTTGGCTTTCACTTTTGTTATAATTAGAAGCTGT-3'
Protein context (NP_060733.4, residues 518-538): QESLVTSPSK[Pro528Ser]KSPGVEKPIV